The following is an entry in ClinVar:

ClinVar aggregate classification (germline): Uncertain significance (1 of 4 stars; one submission).

Allele frequency attached by ClinVar (database versions not stated): gnomAD exomes 0.00002; TOPMed 0.00002; ExAC 0.00012.
gnomAD v4.1: 33 of 1,613,660 alleles (0.002%); highest among the groups gnomAD compares: East Asian, 0.0022%; no homozygotes.

Submission:

Labcorp Genetics (formerly Invitae), Labcorp
Classification: Uncertain significance. Last evaluated: 2024-08-27. Review status: criteria provided, single submitter. Criteria: Invitae Variant Classification Sherloc (09022015). Collection method: clinical testing. Allele origin: germline.
Comment: This sequence change replaces alanine, which is neutral and non-polar, with valine, which is neutral and non-polar, at codon 123 of the MICAL1 protein (p.Ala123Val). This variant is present in population databases (rs760656869, gnomAD 0.01%). This variant has not been reported in the literature in individuals affected with MICAL1-related conditions. An algorithm developed to predict the effect of missense changes on protein structure and function (PolyPhen-2) suggests that this variant is likely to be disruptive. In summary, the available evidence is currently insufficient to determine the role of this variant in disease. Therefore, it has been classified as a Variant of Uncertain Significance.

NM_022765.4(MICAL1):c.311C>T (p.Ala104Val)

Gene: MICAL1 (microtubule associated monooxygenase, calponin and LIM domain containing 1; minus strand). Cytogenetic location: 6q21.
Variant type: single nucleotide variant.
Coding change: c.311C>T on transcript NM_022765.4 (MANE Select); coding-DNA position 311, C replaced by T.
Protein change: p.Ala104Val; replaces alanine 104 with valine.
Molecular consequence: missense variant.
Genome position (GRCh38, 1-based): chr6:109,453,793, G>A on the plus strand (C>T on the coding strand, the complement: MICAL1 is on the minus strand). VCF-style: chr6-109453793-G-A. GRCh37 (hg19) VCF-style: chr6-109774996-G-A.
Other names: c.311C>T, p.Ala104Val (NM_001159291.2); c.368C>T, p.Ala123Val (NM_001286613.2); short protein forms A104V, A123V.
Identifiers: ClinVar variation 2980960 (VCV002980960.3), dbSNP rs760656869, ClinGen allele CA3953821.